The following is an entry in ClinVar:

ClinVar aggregate classification (germline): Benign (1 of 4 stars; one submission).

Conditions:
Atypical hemolytic-uremic syndrome with thrombomodulin anomaly. Also called: HEMOLYTIC UREMIC SYNDROME, ATYPICAL, SUSCEPTIBILITY TO, 6; AHUS, SUSCEPTIBILITY TO, 6. Identifiers: MedGen C2752036, MONDO:0013044, OMIM 612926. Disease mechanism: gain of function.

Allele frequency attached by ClinVar (database versions not stated): TOPMed 0.00017; 1000 Genomes Project 30x 0.00047; 1000 Genomes Project 0.00060.

Submission:

Illumina Laboratory Services, Illumina
Classification: Benign for Atypical hemolytic-uremic syndrome with thrombomodulin anomaly. Last evaluated: 2018-01-13. Review status: criteria provided, single submitter. Criteria: ICSL Variant Classification Criteria 13 December 2019. Collection method: clinical testing. Allele origin: germline.
Comment: This variant was observed in the ICSL laboratory as part of a predisposition screen in an ostensibly healthy population. It had not been previously curated by ICSL or reported in the Human Gene Mutation Database (HGMD: prior to June 1st, 2018), and was therefore a candidate for classification through an automated scoring system. Utilizing variant allele frequency, disease prevalence and penetrance estimates, and inheritance mode, an automated score was calculated to assess if this variant is too frequent to cause the disease. Based on the score and internal cut-off values, a variant classified as benign is not then subjected to further curation. The score for this variant resulted in a classification of benign for this disease.

NM_000361.3(THBD):c.*511T>G

Gene: THBD (thrombomodulin; minus strand). Cytogenetic location: 20p11.21.
Variant type: single nucleotide variant.
Coding change: c.*511T>G on transcript NM_000361.3 (MANE Select); 511 bases downstream of the stop codon, T replaced by G.
Molecular consequence: 3 prime UTR variant.
Genome position (GRCh38, 1-based): chr20:23,047,266, A>C on the plus strand (T>G on the coding strand, the complement: THBD is on the minus strand). VCF-style: chr20-23047266-A-C. GRCh37 (hg19) VCF-style: chr20-23027903-A-C.
Identifiers: ClinVar variation 896605 (VCV000896605.4), dbSNP rs182592762, ClinGen allele CA313549600.